The following is an entry in ClinVar:

NM_000286.3(PEX12):c.740T>C (p.Leu247Pro)

Gene: PEX12 (peroxisomal biogenesis factor 12; minus strand). Cytogenetic location: 17q12.
Variant type: single nucleotide variant.
Coding change: c.740T>C on transcript NM_000286.3 (MANE Select); coding-DNA position 740, T replaced by C.
Protein change: p.Leu247Pro; replaces leucine 247 with proline.
Molecular consequence: missense variant.
Genome position (GRCh38, 1-based): chr17:35,576,122, A>G on the plus strand (T>C on the coding strand, the complement: PEX12 is on the minus strand). VCF-style: chr17-35576122-A-G. GRCh37 (hg19) VCF-style: chr17-33903141-A-G.
Other names: short protein forms L247P.
Identifiers: ClinVar variation 2040972 (VCV002040972.4), dbSNP rs1204653593, ClinGen allele CA399137482.
Genomic context (GRCh38, chr17:35,576,122, plus strand): 5'-GATGAGTACCACCAGTCAAGGAACTGCAAGAAGAATACACCCACAGAAAGGCCAGTAGAC[A>G]GGGATAAGGCAACACCCCCAACAGCTTTCTTCAGAGCTGAGTTTATCTTCTCACTAACAC-3'
Protein context (NP_000277.1, residues 237-257): KKAVGGVALS[Leu247Pro]STGLSVGVFF

ClinVar aggregate classification (germline): Uncertain significance (1 of 4 stars; one submission).

Conditions:
Peroxisome biogenesis disorder 3A (Zellweger). Also called: PEROXISOMAL BIOGENESIS DISORDER 3A (ZELLWEGER); Peroxisome biogenesis disorder 3A. Identifiers: Orphanet 912, MedGen C3553929, MONDO:0013927, OMIM 614859.

Allele frequency attached by ClinVar (database versions not stated): gnomAD exomes below 0.00001.

Submission:

Labcorp Genetics (formerly Invitae), Labcorp
Classification: Uncertain significance for Peroxisome biogenesis disorder 3A (Zellweger). Last evaluated: 2022-06-14. Review status: criteria provided, single submitter. Criteria: Invitae Variant Classification Sherloc (09022015). Collection method: clinical testing. Allele origin: germline.
Comment: In summary, the available evidence is currently insufficient to determine the role of this variant in disease. Therefore, it has been classified as a Variant of Uncertain Significance. Algorithms developed to predict the effect of missense changes on protein structure and function are either unavailable or do not agree on the potential impact of this missense change (SIFT: "Tolerated"; PolyPhen-2: "Probably Damaging"; Align-GVGD: "Class C0"). This variant has not been reported in the literature in individuals affected with PEX12-related conditions. This variant is present in population databases (no rsID available, gnomAD 0.003%). This sequence change replaces leucine, which is neutral and non-polar, with proline, which is neutral and non-polar, at codon 247 of the PEX12 protein (p.Leu247Pro).